The following is an entry in ClinVar:

NM_020831.6(MRTFA):c.1446C>A (p.Asp482Glu)

Gene: MRTFA (myocardin related transcription factor A; minus strand). Cytogenetic location: 22q13.1.
Variant type: single nucleotide variant.
Coding change: c.1446C>A on transcript NM_020831.6 (MANE Select); coding-DNA position 1446, C replaced by A.
Protein change: p.Asp482Glu; replaces aspartic acid 482 with glutamic acid.
Molecular consequence: missense variant.
Genome position (GRCh38, 1-based): chr22:40,419,292, G>T on the plus strand (C>A on the coding strand, the complement: MRTFA is on the minus strand). VCF-style: chr22-40419292-G-T. GRCh37 (hg19) VCF-style: chr22-40815296-G-T.
Other names: c.1146C>A (NM_020831.3); c.1146C>A, p.Asp382Glu (NM_001282660.2); c.1296C>A, p.Asp432Glu (NM_001282661.3); c.1446C>A, p.Asp482Glu (NM_001282662.3); c.1251C>A, p.Asp417Glu (NM_001318139.2); short protein forms D382E, D417E, D432E, D482E.
Identifiers: ClinVar variation 1683081 (VCV001683081.7), dbSNP rs372129489, ClinGen allele CA10249667.

ClinVar aggregate classification (germline): Conflicting classifications of pathogenicity. Review status: criteria provided, conflicting classifications (1 of 4 stars). 2 submissions from 2 submitters: Uncertain significance (1); Likely benign (1). Last evaluated 2025-08-23.

Allele frequency attached by ClinVar (database versions not stated): gnomAD exomes 0.00002; ExAC 0.00003; TOPMed 0.00005; ESP Exome Variant Server 0.00008; gnomAD 0.00009 and 0.00010.
gnomAD v4.1: 13 of 1,613,838 alleles (0.00081%); highest among the groups gnomAD compares: African/African-American, 0.017%; no homozygotes.

Submissions (2):

Ambry Genetics
Classification: Likely benign. Last evaluated: 2025-08-23. Review status: criteria provided, single submitter. Criteria: Ambry Variant Classification Scheme 2023. Collection method: clinical testing. Allele origin: germline.

Labcorp Genetics (formerly Invitae), Labcorp
Classification: Uncertain significance. Last evaluated: 2022-06-13. Review status: criteria provided, single submitter. Criteria: Invitae Variant Classification Sherloc (09022015). Collection method: clinical testing. Allele origin: germline.
Comment: This sequence change replaces aspartic acid, which is acidic and polar, with glutamic acid, which is acidic and polar, at codon 382 of the MKL1 protein (p.Asp382Glu). In summary, the available evidence is currently insufficient to determine the role of this variant in disease. Therefore, it has been classified as a Variant of Uncertain Significance. Algorithms developed to predict the effect of missense changes on protein structure and function output the following: SIFT: "Tolerated"; PolyPhen-2: "Benign"; Align-GVGD: "Class C0". The glutamic acid amino acid residue is found in multiple mammalian species, which suggests that this missense change does not adversely affect protein function. This variant has not been reported in the literature in individuals affected with MKL1-related conditions. This variant is present in population databases (rs372129489, gnomAD 0.03%).